The following is an entry in ClinVar:

NM_000038.6(APC):c.-19+1265T>C

Gene: APC (APC regulator of WNT signaling pathway; plus strand). Cytogenetic location: 5q22.2.
Variant type: single nucleotide variant.
Coding change: c.-19+1265T>C on transcript NM_000038.6 (MANE Select); 1265 bases into the intron after 19 bases upstream of the start codon, T replaced by C.
Molecular consequence: intron variant.
Genome position (GRCh38, 1-based): chr5:112,739,190, T>C. VCF-style: chr5-112739190-T-C. GRCh37 (hg19) VCF-style: chr5-112074887-T-C.
Other names: c.-18-15683T>C (NM_001354895.2); c.166-27136T>C (NM_001354897.2, NM_001354902.2, NM_001127511.3); c.-19+730T>C (NM_001127510.3); c.60+730T>C (NM_001354898.2, NM_001354904.2); c.-1054+1265T>C (NM_001354906.2); c.-19+1265T>C (NM_001354896.2, NM_001354903.2, NM_001354899.2); c.-43+1265T>C (NM_001354900.2, NM_001354901.2, NM_001354905.2).
Identifiers: ClinVar variation 82334 (VCV000082334.2), dbSNP rs79187181, ClinGen allele CA006318.

ClinVar aggregate classification (germline): other (0 of 4 stars; one submission).

Conditions:
Familial colorectal cancer. Identifiers: MedGen CN280943, MONDO:0023113. Disease mechanism: loss of function.

Submission:

Systems Biology Platform Zhejiang California International NanoSystems Institute
Classification: other for Familial colorectal cancer. Review status: no assertion criteria provided. Collection method: not provided. Allele origin: unknown.
ClinVar note: Converted during submission from cancer to other.